The following is an entry in ClinVar:

NM_032217.5(ANKRD17):c.2900G>T (p.Gly967Val)

Gene: ANKRD17 (ankyrin repeat domain 17; minus strand). Cytogenetic location: 4q13.3.
Variant type: single nucleotide variant.
Coding change: c.2900G>T on transcript NM_032217.5 (MANE Select); coding-DNA position 2900, G replaced by T.
Protein change: p.Gly967Val; replaces glycine 967 with valine.
Molecular consequence: missense variant. On other transcripts: intron variant (1).
Genome position (GRCh38, 1-based): chr4:73,139,716, C>A on the plus strand (G>T on the coding strand, the complement: ANKRD17 is on the minus strand). VCF-style: chr4-73139716-C-A. GRCh37 (hg19) VCF-style: chr4-74005433-C-A.
Other names: c.2561G>T, p.Gly854Val (NM_001286771.3); c.2900G>T, p.Gly967Val (NM_015574.2); c.2332+2025G>T (NM_198889.3); short protein forms G854V, G967V.
Identifiers: ClinVar variation 3769380 (VCV003769380.2).

ClinVar aggregate classification (germline): Uncertain significance (1 of 4 stars; one submission).

Submission:

Women's Health and Genetics/Laboratory Corporation of America, LabCorp
Classification: Uncertain significance. Last evaluated: 2025-01-28. Review status: criteria provided, single submitter. Criteria: LabCorp Variant Classification Summary - May 2015. Collection method: clinical testing. Allele origin: germline.
Comment: Variant summary: ANKRD17 c.2900G>T (p.Gly967Val) results in a non-conservative amino acid change in the encoded protein sequence. Three of five in-silico tools predict a damaging effect of the variant on protein function. The variant was absent in 251126 control chromosomes. The available data on variant occurrences in the general population are insufficient to allow any conclusion about variant significance. To our knowledge, no occurrence of c.2900G>T in individuals affected with Chopra-Amiel Syndrome and no experimental evidence demonstrating its impact on protein function have been reported. No submitters have cited clinical-significance assessments for this variant to ClinVar. Based on the evidence outlined above, the variant was classified as uncertain significance.